The following is an entry in ClinVar:

ClinVar aggregate classification (germline): Conflicting classifications of pathogenicity. Review status: criteria provided, conflicting classifications (1 of 4 stars). 8 submissions from 8 submitters: Uncertain significance (5); Likely benign (3). Last evaluated 2025-11-22.

Conditions:
Cardiovascular phenotype. Identifiers: MedGen CN230736.
Cardiomyopathy (CMYO). Also called: Cardiomyopathies. Identifiers: Orphanet 167848, MedGen C0878544, MONDO:0004994, HP:0001638. Inheritance: Various modes of inheritance.
Hypertrophic cardiomyopathy 10. Also called: CARDIOMYOPATHY, HYPERTROPHIC, MID-LEFT VENTRICULAR CHAMBER TYPE, 2; MYL2-Related Familial Hypertrophic Cardiomyopathy. Identifiers: MedGen C1834460, MONDO:0012112, OMIM 608758.
Hypertrophic cardiomyopathy. Also called: HYPERTROPHIC MYOCARDIOPATHY. Identifiers: Orphanet 217569, MedGen C0007194, MeSH D002312, MONDO:0005045, HP:0001639.

Allele frequency attached by ClinVar (database versions not stated): gnomAD below 0.00001 and 0.00001; gnomAD exomes 0.00004 and 0.00012; ExAC 0.00012.
gnomAD v4.1: 57 of 1,614,070 alleles (0.0035%); highest among the groups gnomAD compares: South Asian, 0.06%; 1 homozygote.

Submissions (8):

Labcorp Genetics (formerly Invitae), Labcorp
Classification: Likely benign for Hypertrophic cardiomyopathy 10. Last evaluated: 2025-11-22. Review status: criteria provided, single submitter. Criteria: Invitae Variant Classification Sherloc (09022015). Collection method: clinical testing. Allele origin: germline.

All of Us Research Program, National Institutes of Health
Classification: Uncertain significance for Hypertrophic cardiomyopathy. Last evaluated: 2023-12-13. Review status: criteria provided, single submitter. Criteria: ACMG Guidelines, 2015. Collection method: clinical testing. Allele origin: germline. Inheritance: Autosomal dominant inheritance. Observed: 3 variant alleles, 3 heterozygotes.
Comment: This missense variant replaces phenylalanine with cysteine at codon 103 of the MYL2 protein. Computational prediction suggests that this variant may have deleterious impact on protein structure and function (internally defined REVEL score threshold >= 0.7, PMID: 27666373). To our knowledge, functional studies have not been reported for this variant. This variant has been reported in one individual affected with hypertrophic cardiomyopathy (PMID: 33029862). This variant occurs at an elevated allele frequency in the general population and has been identified in 30/251494 chromosomes (30/30616 South Asian chromosomes) by the Genome Aggregation Database (gnomAD). The available evidence is insufficient to determine the role of this variant in disease conclusively. Therefore, this variant is classified as a Variant of Uncertain Significance.

This study involves interpretation of variants in research participants for the purpose of population health screening. Participant phenotype was not available at the time of variant classification. Additional details can be found in publication PMID: 35346344, PMCID: PMC8962531

Color Diagnostics, LLC DBA Color Health
Classification: Uncertain significance for Cardiomyopathy. Last evaluated: 2023-09-27. Review status: criteria provided, single submitter. Criteria: ACMG Guidelines, 2015. Collection method: clinical testing. Allele origin: germline.
Comment: This missense variant replaces phenylalanine with cysteine at codon 103 of the MYL2 protein. Computational prediction suggests that this variant may have deleterious impact on protein structure and function (internally defined REVEL score threshold >= 0.7, PMID: 27666373). To our knowledge, functional studies have not been reported for this variant. This variant has been reported in one individual affected with hypertrophic cardiomyopathy (PMID: 33029862). This variant occurs at an elevated allele frequency in the general population and has been identified in 30/251494 chromosomes (30/30616 South Asian chromosomes) by the Genome Aggregation Database (gnomAD). The available evidence is insufficient to determine the role of this variant in disease conclusively. Therefore, this variant is classified as a Variant of Uncertain Significance.

GeneDx
Classification: Uncertain significance. Last evaluated: 2020-11-04. Review status: criteria provided, single submitter. Criteria: GeneDx Variant Classification Process June 2021. Collection method: clinical testing. Allele origin: germline. Affected: yes.
Comment: In silico analysis supports that this missense variant has a deleterious effect on protein structure/function; Has not been previously published as pathogenic or benign to our knowledge; Reported in ClinVar (ClinVar Variant ID# 181433; Landrum et al., 2016)

CHEO Genetics Diagnostic Laboratory, Children's Hospital of Eastern Ontario
Classification: Likely benign for Cardiomyopathy. Last evaluated: 2019-11-04. Review status: criteria provided, single submitter. Criteria: ACMG Guidelines, 2015. Collection method: clinical testing. Allele origin: germline.

Laboratory for Molecular Medicine, Mass General Brigham Personalized Medicine
Classification: Likely benign. Last evaluated: 2019-10-14. Review status: criteria provided, single submitter. Criteria: ACMG Guidelines, 2015. Collection method: clinical testing. Allele origin: germline.
Comment: The p.Phe86Ser variant in MYL2 is classified as likely benign because it has been identified in 0.098% (30/30616) of South Asian chromosomes by gnomAD. ACMG/AMP Criteria applied: BS1.

Ambry Genetics
Classification: Uncertain significance for Cardiovascular phenotype. Last evaluated: 2018-12-14. Review status: criteria provided, single submitter. Criteria: Ambry Variant Classification Scheme 2023. Collection method: clinical testing. Allele origin: germline.
Comment: The p.F103C variant (also known as c.308T>G), located in coding exon 5 of the MYL2 gene, results from a T to G substitution at nucleotide position 308. The phenylalanine at codon 103 is replaced by cysteine, an amino acid with highly dissimilar properties. This alteration has been reported as a secondary cardiac variant in an exome cohort (Ng D et al. Circ Cardiovasc Genet, 2013 Aug;6:337-46). This amino acid position is highly conserved in available vertebrate species. In addition, this alteration is predicted to be deleterious by in silico analysis. Since supporting evidence is limited at this time, the clinical significance of this alteration remains unclear.

Biesecker Lab/Clinical Genomics Section, National Institutes of Health
Classification: Uncertain significance. Last evaluated: 2013-06-24. Review status: criteria provided, single submitter. Criteria: Ng et al. (Circ Cardiovasc Genet. 2013). Collection method: research. Allele origin: unknown. Observed: 1 variant allele. Study: ClinSeq.
Comment: The study set was not selected for affection status in relation to any cancer. Pathogenicity categories were based on literature curation. See Pubmed ID:23861362 for details.

Medical sequencing

Literature cited by the submitters: PubMed 33029862 (cited by All of Us Research Program, National Institutes of Health and Color Diagnostics, LLC DBA Color Health); PubMed 23861362 (cited by Ambry Genetics).

NM_000432.4(MYL2):c.308T>G (p.Phe103Cys)

Gene: MYL2 (myosin light chain 2; minus strand). Cytogenetic location: 12q24.11.
Variant type: single nucleotide variant.
Coding change: c.308T>G on transcript NM_000432.4 (MANE Select); coding-DNA position 308, T replaced by G.
Protein change: p.Phe103Cys; replaces phenylalanine 103 with cysteine.
Molecular consequence: missense variant.
Genome position (GRCh38, 1-based): chr12:110,913,291, A>C on the plus strand (T>G on the coding strand, the complement: MYL2 is on the minus strand). VCF-style: chr12-110913291-A-C. GRCh37 (hg19) VCF-style: chr12-111351095-A-C.
Other names: p.F103C:TTC>TGC; short protein forms F103C.
Identifiers: ClinVar variation 181433 (VCV000181433.24), dbSNP rs547860537, ClinGen allele CA010071.